The following is an entry in ClinVar:

NM_000123.4(ERCC5):c.3177C>T (p.Gly1059=)

Genes: BIVM-ERCC5 (BIVM-ERCC5 readthrough; plus strand), ERCC5 (ERCC excision repair 5, endonuclease; plus strand). Cytogenetic location: 13q33.1.
Variant type: single nucleotide variant.
Coding change: c.3177C>T on transcript NM_000123.4 (MANE Select); coding-DNA position 3177, C replaced by T.
Protein change: p.Gly1059=; no amino-acid change (glycine 1059 retained).
Molecular consequence: synonymous variant.
Genome position (GRCh38, 1-based): chr13:102,875,519, C>T. VCF-style: chr13-102875519-C-T. GRCh37 (hg19) VCF-style: chr13-103527869-C-T.
Other names: c.4539C>T, p.Gly1513= (NM_001204425.2).
Identifiers: ClinVar variation 522359 (VCV000522359.44), dbSNP rs148856875, ClinGen allele CA7041844.
Genomic context (GRCh38, chr13:102,875,519, plus strand): 5'-TGCCATGGAGAAAGAATTTGAGCTACTTGATAAGGCAAAAGGAAAAACCCAGAAGAGAGG[C>T]ATAACAAATACCTTAGAAGAGTCATCAAGCCTGAAAAGAAAGAGGCTTTCAGATTCTAAA-3'
Protein context (NP_000114.3, residues 1049-1069): DKAKGKTQKR[Gly1059=]ITNTLEESSS

ClinVar aggregate classification (germline): Benign/Likely benign. Review status: criteria provided, multiple submitters, no conflicts (2 of 4 stars). 9 submissions from 9 submitters: Benign (1); Likely benign (5). 3 of the submissions do not count toward it. Last evaluated 2026-01-28.

Conditions:
Xeroderma pigmentosum, group G (XPG). Also called: XERODERMA PIGMENTOSUM VII; XP, GROUP G; Xeroderma pigmentosum type 7; ERCC5-Related Xeroderma Pigmentosum. Identifiers: MedGen C0268141, MONDO:0010216, OMIM 278780.
ERCC5-related disorder. Also called: ERCC5-related condition.

Allele frequency attached by ClinVar (database versions not stated): 1000 Genomes Project 30x 0.00078; 1000 Genomes Project 0.00080; ESP Exome Variant Server 0.00177; TOPMed 0.00194; gnomAD 0.00196; gnomAD exomes 0.00220 and 0.00251; ExAC 0.00260.
gnomAD v4.1: 3,553 of 1,613,984 alleles (0.22%); highest among the groups gnomAD compares: Non-Finnish European, 0.19%; 21 homozygotes.

Submissions (9):

Labcorp Genetics (formerly Invitae), Labcorp
Classification: Benign. Last evaluated: 2026-01-28. Review status: criteria provided, single submitter. Criteria: Invitae Variant Classification Sherloc (09022015). Collection method: clinical testing. Allele origin: germline.

Blueprint Genetics
Classification: Likely benign. Last evaluated: 2024-11-27. Review status: criteria provided, single submitter. Criteria: ACMG Guidelines, 2015. Collection method: clinical testing. Allele origin: germline.

CeGaT Center for Human Genetics Tuebingen
Classification: Likely benign. Last evaluated: 2024-04-01. Review status: criteria provided, single submitter. Criteria: CeGaT Center For Human Genetics Tuebingen Variant Classification Criteria Version 2. Collection method: clinical testing. Allele origin: germline. Affected: yes. Observed: 4 variant alleles.
Comment: ERCC5: BP4, BP7, BS2

Illumina Laboratory Services, Illumina
Classification: Likely benign for Xeroderma pigmentosum, group G. Last evaluated: 2018-01-13. Review status: criteria provided, single submitter. Criteria: ICSL Variant Classification Criteria 13 December 2019. Collection method: clinical testing. Allele origin: germline.
Comment: This variant was observed in the ICSL laboratory as part of a predisposition screen in an ostensibly healthy population. It had not been previously curated by ICSL or reported in the Human Gene Mutation Database (HGMD: prior to June 1st, 2018), and was therefore a candidate for classification through an automated scoring system. Utilizing variant allele frequency, disease prevalence and penetrance estimates, and inheritance mode, an automated score was calculated to assess if this variant is too frequent to cause the disease. Based on the score and internal cut-off values, a variant classified as likely benign is not then subjected to further curation. The score for this variant resulted in a classification of likely benign for this disease.

Clinical Genetics DNA and cytogenetics Diagnostics Lab, Erasmus MC, Erasmus Medical Center
Classification: Likely benign for Xeroderma pigmentosum, group G. Last evaluated: 2015-09-21. Review status: criteria provided, single submitter. Criteria: ACGS Guidelines, 2013. Collection method: clinical testing. Allele origin: germline. Affected: yes. Study: VKGL Data-share Consensus.

Breakthrough Genomics
Classification: Likely benign. Review status: criteria provided, single submitter. Criteria: ACMG Guidelines, 2015. Collection method: not provided. Allele origin: germline. Inheritance: Autosomal recessive inheritance. Affected: yes.

PreventionGenetics, part of Exact Sciences
Classification: Benign for ERCC5-related condition. Last evaluated: 2024-08-07. Review status: no assertion criteria provided. Collection method: clinical testing. Allele origin: germline. Not counted in ClinVar's aggregate classification.
Comment: This variant is classified as benign based on ACMG/AMP sequence variant interpretation guidelines (Richards et al. 2015 PMID: 25741868, with internal and published modifications).

Genome Diagnostics Laboratory, Amsterdam University Medical Center
Classification: Likely benign for Xeroderma pigmentosum, group G. Last evaluated: 2015-07-21. Review status: no assertion criteria provided. Criteria: ACGS Guidelines, 2013. Collection method: clinical testing. Allele origin: germline. Affected: yes. Study: VKGL Data-share Consensus. Not counted in ClinVar's aggregate classification.

Department of Pathology and Laboratory Medicine, Sinai Health System
Classification: Likely benign. Review status: no assertion criteria provided. Collection method: clinical testing. Allele origin: unknown. Affected: yes. Study: The Canadian Open Genetics Repository (COGR). Not counted in ClinVar's aggregate classification.
Comment: The ERCC5 p.Gly1059Gly variant was not identified in the literature nor was it identified in Cosmic. The variant was identified in dbSNP (ID: rs148856875), LOVD 3.0 and in ClinVar (classified as likely benign by Erasmus Medical Center DNA and Cytogenetics Diagnostics Unit and VU University Medical Center Amsterdam Genome Diagnotics Laboratory). The variant was identified in control databases in 681 of 282376 chromosomes (3 homozygous) at a frequency of 0.002412 increasing the likelihood this could be a low frequency benign variant (Genome Aggregation Database Feb 27, 2017). The variant was observed in the following populations: Ashkenazi Jewish in 267 of 10350 chromosomes (freq: 0.0258), Other in 29 of 7208 chromosomes (freq: 0.004023), European (non-Finnish) in 289 of 128834 chromosomes (freq: 0.002243), South Asian in 44 of 30604 chromosomes (freq: 0.001438), European (Finnish) in 26 of 25116 chromosomes (freq: 0.001035), Latino in 21 of 35408 chromosomes (freq: 0.000593) and African in 5 of 24914 chromosomes (freq: 0.000201); it was not observed in the East Asian population. The p.Gly1059Gly variant is not expected to have clinical significance because it does not result in a change of amino acid and is not located in a known consensus splice site. The variant occurs outside of the splicing consensus sequence and 2 of 4 in silico or computational prediction software programs (MaxEntScan, NNSPLICE) predict a greater than 10% difference in splicing and the creation of a new 5' splice site; this is not very predictive of pathogenicity. In summary, based on the above information the clinical significance of this variant cannot be determined with certainty at this time although we would lean towards a more benign role for this variant. This variant is classified as likely benign.